The following is an entry in ClinVar:

NM_000748.3(CHRNB2):c.1316G>A (p.Arg439Gln)

Gene: CHRNB2 (cholinergic receptor nicotinic beta 2 subunit; plus strand). Cytogenetic location: 1q21.3.
Variant type: single nucleotide variant.
Coding change: c.1316G>A on transcript NM_000748.3 (MANE Select); coding-DNA position 1316, G replaced by A.
Protein change: p.Arg439Gln; replaces arginine 439 with glutamine.
Molecular consequence: missense variant.
Genome position (GRCh38, 1-based): chr1:154,572,139, G>A. VCF-style: chr1-154572139-G-A. GRCh37 (hg19) VCF-style: chr1-154544615-G-A.
Other names: short protein forms R439Q.
Identifiers: ClinVar variation 2063022 (VCV002063022.4), dbSNP rs771273497, ClinGen allele CA30835213.

ClinVar aggregate classification (germline): Uncertain significance (1 of 4 stars; one submission).

Conditions:
Familial sleep-related hypermotor epilepsy. Also called: Autosomal Dominant Sleep-Related Hypermotor (Hyperkinetic) Epilepsy. Identifiers: Orphanet 98784, MedGen C3696898, MONDO:0000030.

Allele frequency attached by ClinVar (database versions not stated): TOPMed below 0.00001; gnomAD 0.00001; gnomAD exomes 0.00002.

Submission:

Labcorp Genetics (formerly Invitae), Labcorp
Classification: Uncertain significance. Last evaluated: 2023-10-16. Review status: criteria provided, single submitter. Criteria: Invitae Variant Classification Sherloc (09022015). Collection method: clinical testing. Allele origin: germline.
Comment: This sequence change replaces arginine, which is basic and polar, with glutamine, which is neutral and polar, at codon 439 of the CHRNB2 protein (p.Arg439Gln). This variant is not present in population databases (gnomAD no frequency). This variant has not been reported in the literature in individuals affected with CHRNB2-related conditions. ClinVar contains an entry for this variant (Variation ID: 2063022). Advanced modeling of protein sequence and biophysical properties (such as structural, functional, and spatial information, amino acid conservation, physicochemical variation, residue mobility, and thermodynamic stability) performed at Invitae indicates that this missense variant is not expected to disrupt CHRNB2 protein function. In summary, the available evidence is currently insufficient to determine the role of this variant in disease. Therefore, it has been classified as a Variant of Uncertain Significance.